The following is an entry in ClinVar:

ClinVar aggregate classification (germline): Uncertain significance (1 of 4 stars; one submission).

Submission:

Labcorp Genetics (formerly Invitae), Labcorp
Classification: Uncertain significance. Last evaluated: 2024-12-08. Review status: criteria provided, single submitter. Criteria: Invitae Variant Classification Sherloc (09022015). Collection method: clinical testing. Allele origin: germline.
Comment: This sequence change replaces lysine, which is basic and polar, with glutamine, which is neutral and polar, at codon 511 of the BCL11B protein (p.Lys511Gln). This variant is not present in population databases (gnomAD no frequency). This variant has not been reported in the literature in individuals affected with BCL11B-related conditions. Invitae Evidence Modeling of protein sequence and biophysical properties (such as structural, functional, and spatial information, amino acid conservation, physicochemical variation, residue mobility, and thermodynamic stability) has been performed for this missense variant. However, the output from this modeling did not meet the statistical confidence thresholds required to predict the impact of this variant on BCL11B protein function. In summary, the available evidence is currently insufficient to determine the role of this variant in disease. Therefore, it has been classified as a Variant of Uncertain Significance.

NM_138576.4(BCL11B):c.1531A>C (p.Lys511Gln)

Gene: BCL11B (BCL11 transcription factor B; minus strand). Cytogenetic location: 14q32.2.
Variant type: single nucleotide variant.
Coding change: c.1531A>C on transcript NM_138576.4 (MANE Select); coding-DNA position 1531, A replaced by C.
Protein change: p.Lys511Gln; replaces lysine 511 with glutamine.
Molecular consequence: missense variant.
Genome position (GRCh38, 1-based): chr14:99,175,305, T>G on the plus strand (A>C on the coding strand, the complement: BCL11B is on the minus strand). VCF-style: chr14-99175305-T-G. GRCh37 (hg19) VCF-style: chr14-99641642-T-G.
Other names: c.1528A>C, p.Lys510Gln (NM_001282237.2); c.1315A>C, p.Lys439Gln (NM_001282238.2); c.1318A>C, p.Lys440Gln (NM_022898.3); short protein forms K439Q, K440Q, K510Q, K511Q.
Identifiers: ClinVar variation 3690067 (VCV003690067.2).